The following is an entry in ClinVar:

NM_020207.7(ERCC6L2):c.770G>A (p.Cys257Tyr)

Gene: ERCC6L2 (ERCC excision repair 6 like 2; plus strand). Cytogenetic location: 9q22.32.
Variant type: single nucleotide variant.
Coding change: c.770G>A on transcript NM_020207.7 (MANE Select); coding-DNA position 770, G replaced by A.
Protein change: p.Cys257Tyr; replaces cysteine 257 with tyrosine.
Molecular consequence: missense variant. On other transcripts: non-coding transcript variant (1).
Genome position (GRCh38, 1-based): chr9:95,907,253, G>A. VCF-style: chr9-95907253-G-A. GRCh37 (hg19) VCF-style: chr9-98669535-G-A.
Other names: c.770G>A, p.Cys257Tyr (NM_001010895.4, NM_001375291.1, NM_001375292.1 and 2 more transcripts); short protein forms C257Y.
Identifiers: ClinVar variation 4618772 (VCV004618772.1).
Genomic context (GRCh38, chr9:95,907,253, plus strand): 5'-TTCGTGTAAAGCAGAGGAAATGTGAAATTGCTCTAACAACTTATGAAACACTACGCTTAT[G>A]CCTGGATGAACTTAACAGGTAATGGGAATAATAGGAATAGGAATGATTGTATTAATAGTC-3'
Protein context (NP_064592.3, residues 247-267): ALTTYETLRL[Cys257Tyr]LDELNSLEWS

ClinVar aggregate classification (germline): Uncertain significance (1 of 4 stars; one submission).

Conditions:
Inborn genetic diseases. Identifiers: MedGen C0950123, MeSH D030342.

gnomAD v4.1: 5 of 1,610,480 alleles (0.00031%); highest among the groups gnomAD compares: Non-Finnish European, 0.00042%; no homozygotes.

Submission:

Ambry Genetics
Classification: Uncertain significance for Inborn genetic diseases. Last evaluated: 2025-11-26. Review status: criteria provided, single submitter. Criteria: Ambry Variant Classification Scheme 2023. Collection method: clinical testing. Allele origin: germline.
Comment: The p.C257Y variant (also known as c.770G>A), located in coding exon 4 of the ERCC6L2 gene, results from a G to A substitution at nucleotide position 770. The cysteine at codon 257 is replaced by tyrosine, an amino acid with highly dissimilar properties. This amino acid position is conserved. In addition, the in silico prediction for this alteration is inconclusive. Based on the available evidence, the clinical significance of this variant remains unclear.